The following is an entry in ClinVar:

ClinVar aggregate classification (germline): Uncertain significance. Review status: criteria provided, multiple submitters, no conflicts (2 of 4 stars). 2 submissions from 2 submitters: Uncertain significance (2). Last evaluated 2024-11-22.

Conditions:
Oligodontia-cancer predisposition syndrome. Also called: TOOTH AGENESIS-COLORECTAL CANCER SYNDROME. Identifiers: Orphanet 300576, MedGen C1837750, MONDO:0012075, OMIM 608615. Disease mechanism: loss of function.
Hereditary cancer-predisposing syndrome. Also called: Hereditary Cancer Syndrome; Neoplastic Syndromes, Hereditary; Tumor predisposition; Hereditary neoplastic syndrome. Identifiers: Orphanet 140162, MedGen C0027672, MeSH D009386, MONDO:0015356.

Submissions (2):

Ambry Genetics
Classification: Uncertain significance for Hereditary cancer-predisposing syndrome. Last evaluated: 2024-11-22. Review status: criteria provided, single submitter. Criteria: Ambry Variant Classification Scheme 2023. Collection method: clinical testing. Allele origin: germline.
Comment: The p.S390C variant (also known as c.1168A>T), located in coding exon 4 of the AXIN2 gene, results from an A to T substitution at nucleotide position 1168. The serine at codon 390 is replaced by cysteine, an amino acid with dissimilar properties. This amino acid position is conserved. In addition, this alteration is predicted to be tolerated by in silico analysis. Based on the available evidence, the clinical significance of this variant remains unclear.

Labcorp Genetics (formerly Invitae), Labcorp
Classification: Uncertain significance for Oligodontia-cancer predisposition syndrome. Last evaluated: 2023-07-28. Review status: criteria provided, single submitter. Criteria: Invitae Variant Classification Sherloc (09022015). Collection method: clinical testing. Allele origin: germline.
Comment: In summary, the available evidence is currently insufficient to determine the role of this variant in disease. Therefore, it has been classified as a Variant of Uncertain Significance. Advanced modeling of protein sequence and biophysical properties (such as structural, functional, and spatial information, amino acid conservation, physicochemical variation, residue mobility, and thermodynamic stability) performed at Invitae indicates that this missense variant is not expected to disrupt AXIN2 protein function. This variant has not been reported in the literature in individuals affected with AXIN2-related conditions. This variant is not present in population databases (gnomAD no frequency). This sequence change replaces serine, which is neutral and polar, with cysteine, which is neutral and slightly polar, at codon 390 of the AXIN2 protein (p.Ser390Cys).

NM_004655.4(AXIN2):c.1168A>T (p.Ser390Cys)

Gene: AXIN2 (axin 2; minus strand). Cytogenetic location: 17q24.1.
Variant type: single nucleotide variant.
Coding change: c.1168A>T on transcript NM_004655.4 (MANE Select); coding-DNA position 1168, A replaced by T.
Protein change: p.Ser390Cys; replaces serine 390 with cysteine.
Molecular consequence: missense variant.
Genome position (GRCh38, 1-based): chr17:65,538,235, T>A on the plus strand (A>T on the coding strand, the complement: AXIN2 is on the minus strand). VCF-style: chr17-65538235-T-A. GRCh37 (hg19) VCF-style: chr17-63534353-T-A.
Other names: c.1168A>T, p.Ser390Cys (NM_001363813.1); short protein forms S390C.
Identifiers: ClinVar variation 3010114 (VCV003010114.4), dbSNP rs139871607, ClinGen allele CA400678236.